The following is an entry in ClinVar:

NM_000484.4(APP):c.2281A>G (p.Thr761Ala)

Gene: APP (amyloid beta precursor protein; minus strand). Cytogenetic location: 21q21.3.
Variant type: single nucleotide variant.
Coding change: c.2281A>G on transcript NM_000484.4 (MANE Select); coding-DNA position 2281, A replaced by G.
Protein change: p.Thr761Ala; replaces threonine 761 with alanine.
Molecular consequence: missense variant.
Genome position (GRCh38, 1-based): chr21:25,881,702, T>C on the plus strand (A>G on the coding strand, the complement: APP is on the minus strand). VCF-style: chr21-25881702-T-C. GRCh37 (hg19) VCF-style: chr21-27254013-T-C.
Other names: c.2209A>G, p.Thr737Ala (NM_001136016.3); c.1888A>G, p.Thr630Ala (NM_001136129.3); c.2113A>G, p.Thr705Ala (NM_001136130.3, NM_001385253.1); c.1951A>G, p.Thr651Ala (NM_001136131.3); c.2227A>G, p.Thr743Ala (NM_001204301.2); c.2170A>G, p.Thr724Ala (NM_001204302.2); c.2002A>G, p.Thr668Ala (NM_001204303.2); c.2224A>G, p.Thr742Ala (NM_201413.3); and 1 more; short protein forms T651A, T705A, T724A, T630A, T668A, T737A, T743A, T686A.
Identifiers: ClinVar variation 1498011 (VCV001498011.6), dbSNP rs766455623, ClinGen allele CA9987013.

ClinVar aggregate classification (germline): Uncertain significance (1 of 4 stars; one submission).

Conditions:
Alzheimer disease. Also called: Alzheimer's disease; Presenile and senile dementia. Identifiers: Orphanet 1020, MedGen C0002395, MeSH D000544, MONDO:0004975, HP:0002511.

Allele frequency attached by ClinVar (database versions not stated): gnomAD exomes below 0.00001; ExAC 0.00001; gnomAD 0.00001; TOPMed 0.00001.
gnomAD v4.1: 5 of 1,613,840 alleles (0.00031%); highest among the groups gnomAD compares: African/African-American, 0.0027%; no homozygotes.

Submission:

Labcorp Genetics (formerly Invitae), Labcorp
Classification: Uncertain significance for Alzheimer disease. Last evaluated: 2023-10-03. Review status: criteria provided, single submitter. Criteria: Invitae Variant Classification Sherloc (09022015). Collection method: clinical testing. Allele origin: germline.
Comment: This sequence change replaces threonine, which is neutral and polar, with alanine, which is neutral and non-polar, at codon 761 of the APP protein (p.Thr761Ala). This variant is not present in population databases (gnomAD no frequency). This variant has not been reported in the literature in individuals affected with APP-related conditions. ClinVar contains an entry for this variant (Variation ID: 1498011). Advanced modeling of protein sequence and biophysical properties (such as structural, functional, and spatial information, amino acid conservation, physicochemical variation, residue mobility, and thermodynamic stability) performed at Invitae indicates that this missense variant is expected to disrupt APP protein function. In summary, the available evidence is currently insufficient to determine the role of this variant in disease. Therefore, it has been classified as a Variant of Uncertain Significance.